The following is an entry in ClinVar:

ClinVar aggregate classification (germline): Uncertain significance (1 of 4 stars; one submission).

Conditions:
Mucopolysaccharidosis, MPS-III-D (MPS3D). Also called: MUCOPOLYSACCHARIDOSIS, TYPE IIID; N-ACETYLGLUCOSAMINE-6-SULFATASE DEFICIENCY; SANFILIPPO SYNDROME D; MPS III D; Mucopoly-saccharidosis type 3D; N-acetylglucosamine-6-sulfate sulfatase deficiency. Identifiers: Orphanet 581, Orphanet 79272, MedGen C0086650, MONDO:0009658, OMIM 252940.

Allele frequency attached by ClinVar (database versions not stated): gnomAD exomes below 0.00001; TOPMed below 0.00001.
gnomAD v4.1: 2 of 1,608,808 alleles (0.00012%); highest among the groups gnomAD compares: Admixed American, 0.0033%; no homozygotes.

Submission:

Labcorp Genetics (formerly Invitae), Labcorp
Classification: Uncertain significance for Mucopolysaccharidosis, MPS-III-D. Last evaluated: 2022-08-06. Review status: criteria provided, single submitter. Criteria: Invitae Variant Classification Sherloc (09022015). Collection method: clinical testing. Allele origin: germline.
Comment: This sequence change replaces asparagine, which is neutral and polar, with lysine, which is basic and polar, at codon 111 of the GNS protein (p.Asn111Lys). This variant is present in population databases (no rsID available, gnomAD 0.006%). This variant has not been reported in the literature in individuals affected with GNS-related conditions. Algorithms developed to predict the effect of missense changes on protein structure and function (SIFT, PolyPhen-2, Align-GVGD) all suggest that this variant is likely to be disruptive. In summary, the available evidence is currently insufficient to determine the role of this variant in disease. Therefore, it has been classified as a Variant of Uncertain Significance.

NM_002076.4(GNS):c.333C>G (p.Asn111Lys)

Gene: GNS (glucosamine (N-acetyl)-6-sulfatase; minus strand). Cytogenetic location: 12q14.3.
Variant type: single nucleotide variant.
Coding change: c.333C>G on transcript NM_002076.4 (MANE Select); coding-DNA position 333, C replaced by G.
Protein change: p.Asn111Lys; replaces asparagine 111 with lysine.
Molecular consequence: missense variant.
Genome position (GRCh38, 1-based): chr12:64,747,838, G>C on the plus strand (C>G on the coding strand, the complement: GNS is on the minus strand). VCF-style: chr12-64747838-G-C. GRCh37 (hg19) VCF-style: chr12-65141618-G-C.
Other names: short protein forms N111K.
Identifiers: ClinVar variation 1901306 (VCV001901306.2), dbSNP rs1199190795, ClinGen allele CA385611113.